The following is an entry in ClinVar:

ClinVar aggregate classification (germline): Uncertain significance. Review status: criteria provided, multiple submitters, no conflicts (2 of 4 stars). 2 submissions from 2 submitters: Uncertain significance (2). Last evaluated 2023-12-31.

Conditions:
Cardiovascular phenotype. Identifiers: MedGen CN230736.
Ehlers-Danlos syndrome, musculocontractural type (EDSMC). Also called: DUNDAR SYNDROME; Adducted thumb, clubfoot, progressive joint and skin laxity syndrome; ARTHROGRYPOSIS, DISTAL, WITH PECULIAR FACIES AND HYDRONEPHROSIS; ADDUCTED THUMB-CLUBFOOT SYNDROME. Identifiers: Orphanet 2953, MedGen C1866294, MONDO:0011142.

Allele frequency attached by ClinVar (database versions not stated): gnomAD exomes below 0.00001; ExAC 0.00001; gnomAD 0.00001; TOPMed 0.00001; ESP Exome Variant Server 0.00008.

Submissions (2):

Ambry Genetics
Classification: Uncertain significance for Cardiovascular phenotype. Last evaluated: 2023-12-31. Review status: criteria provided, single submitter. Criteria: Ambry Variant Classification Scheme 2023. Collection method: clinical testing. Allele origin: germline.
Comment: The p.E229K variant (also known as c.685G>A), located in coding exon 1 of the CHST14 gene, results from a G to A substitution at nucleotide position 685. The glutamic acid at codon 229 is replaced by lysine, an amino acid with similar properties. This amino acid position is conserved. In addition, the in silico prediction for this alteration is inconclusive. Since supporting evidence is limited at this time, the clinical significance of this alteration remains unclear.

Labcorp Genetics (formerly Invitae), Labcorp
Classification: Uncertain significance for Ehlers-Danlos syndrome, musculocontractural type. Last evaluated: 2021-09-01. Review status: criteria provided, single submitter. Criteria: Invitae Variant Classification Sherloc (09022015). Collection method: clinical testing. Allele origin: germline.
Comment: This sequence change replaces glutamic acid with lysine at codon 229 of the CHST14 protein (p.Glu229Lys). The glutamic acid residue is highly conserved and there is a small physicochemical difference between glutamic acid and lysine. This variant is present in population databases (rs370299419, ExAC 0.006%). This variant has not been reported in the literature in individuals affected with CHST14-related conditions. Algorithms developed to predict the effect of missense changes on protein structure and function are either unavailable or do not agree on the potential impact of this missense change (SIFT: "Deleterious"; PolyPhen-2: "Probably Damaging"; Align-GVGD: "Class C0"). In summary, the available evidence is currently insufficient to determine the role of this variant in disease. Therefore, it has been classified as a Variant of Uncertain Significance.

NM_130468.4(CHST14):c.685G>A (p.Glu229Lys)

Gene: CHST14 (carbohydrate sulfotransferase 14; plus strand). Cytogenetic location: 15q15.1.
Variant type: single nucleotide variant.
Coding change: c.685G>A on transcript NM_130468.4 (MANE Select); coding-DNA position 685, G replaced by A.
Protein change: p.Glu229Lys; replaces glutamic acid 229 with lysine.
Molecular consequence: missense variant.
Genome position (GRCh38, 1-based): chr15:40,471,898, G>A. VCF-style: chr15-40471898-G-A. GRCh37 (hg19) VCF-style: chr15-40764097-G-A.
Other names: short protein forms E229K.
Identifiers: ClinVar variation 938765 (VCV000938765.7), dbSNP rs370299419, ClinGen allele CA7481630.